The following is an entry in ClinVar:

ClinVar aggregate classification (germline): Uncertain significance (1 of 4 stars; one submission).

Conditions:
Glycine encephalopathy. Also called: Nonketotic hyperglycinemia; Non-ketotic hyperglycinemia. Identifiers: Orphanet 407, MedGen C0751748, MONDO:0011612, HP:0008288.

Submission:

Labcorp Genetics (formerly Invitae), Labcorp
Classification: Uncertain significance for Glycine encephalopathy. Last evaluated: 2022-07-19. Review status: criteria provided, single submitter. Criteria: Invitae Variant Classification Sherloc (09022015). Collection method: clinical testing. Allele origin: germline.
Comment: In summary, the available evidence is currently insufficient to determine the role of this variant in disease. Therefore, it has been classified as a Variant of Uncertain Significance. Advanced modeling of protein sequence and biophysical properties (such as structural, functional, and spatial information, amino acid conservation, physicochemical variation, residue mobility, and thermodynamic stability) performed at Invitae indicates that this missense variant is not expected to disrupt GLDC protein function. This variant has not been reported in the literature in individuals affected with GLDC-related conditions. This variant is present in population databases (no rsID available, gnomAD 0.006%). This sequence change replaces glutamine, which is neutral and polar, with histidine, which is basic and polar, at codon 428 of the GLDC protein (p.Gln428His).

NM_000170.3(GLDC):c.1284A>C (p.Gln428His)

Gene: GLDC (glycine decarboxylase; minus strand). Cytogenetic location: 9p24.1.
Variant type: single nucleotide variant.
Coding change: c.1284A>C on transcript NM_000170.3 (MANE Select); coding-DNA position 1284, A replaced by C.
Protein change: p.Gln428His; replaces glutamine 428 with histidine.
Molecular consequence: missense variant.
Genome position (GRCh38, 1-based): chr9:6,592,968, T>G on the plus strand (A>C on the coding strand, the complement: GLDC is on the minus strand). VCF-style: chr9-6592968-T-G. GRCh37 (hg19) VCF-style: chr9-6592968-T-G.
Other names: short protein forms Q428H.
Identifiers: ClinVar variation 2174322 (VCV002174322.4), dbSNP rs1158717915, ClinGen allele CA372894139.